The following is an entry in ClinVar:

NM_001005361.3(DNM2):c.658T>G (p.Leu220Val)

Gene: DNM2 (dynamin 2; plus strand). Cytogenetic location: 19p13.2.
Variant type: single nucleotide variant.
Coding change: c.658T>G on transcript NM_001005361.3 (MANE Select); coding-DNA position 658, T replaced by G.
Protein change: p.Leu220Val; replaces leucine 220 with valine.
Molecular consequence: missense variant.
Genome position (GRCh38, 1-based): chr19:10,777,186, T>G. VCF-style: chr19-10777186-T-G. GRCh37 (hg19) VCF-style: chr19-10887862-T-G.
Other names: c.658T>G, p.Leu220Val (NM_001005360.3, NM_001005362.3, NM_001190716.2 and 1 more transcripts); short protein forms L220V.
Identifiers: ClinVar variation 3005593 (VCV003005593.3), dbSNP rs2513157800, ClinGen allele CA404043464.

ClinVar aggregate classification (germline): Uncertain significance (1 of 4 stars; one submission).

Conditions:
Charcot-Marie-Tooth disease dominant intermediate B (CMTDIB). Also called: Charcot-Marie-Tooth disease dominant intermediate 1; CMT DI1; Charcot-Marie-Tooth disease dominant intermediate I; CHARCOT-MARIE-TOOTH NEUROPATHY, DOMINANT INTERMEDIATE B. Identifiers: Orphanet 100044, Orphanet 228179, MedGen C1847902, MONDO:0011674, OMIM 606482.

Submission:

Labcorp Genetics (formerly Invitae), Labcorp
Classification: Uncertain significance for Charcot-Marie-Tooth disease dominant intermediate B. Last evaluated: 2023-11-13. Review status: criteria provided, single submitter. Criteria: Invitae Variant Classification Sherloc (09022015). Collection method: clinical testing. Allele origin: germline.
Comment: This sequence change replaces leucine, which is neutral and non-polar, with valine, which is neutral and non-polar, at codon 220 of the DNM2 protein (p.Leu220Val). This variant is not present in population databases (gnomAD no frequency). This variant has not been reported in the literature in individuals affected with DNM2-related conditions. Advanced modeling of protein sequence and biophysical properties (such as structural, functional, and spatial information, amino acid conservation, physicochemical variation, residue mobility, and thermodynamic stability) has been performed at Invitae for this missense variant, however the output from this modeling did not meet the statistical confidence thresholds required to predict the impact of this variant on DNM2 protein function. In summary, the available evidence is currently insufficient to determine the role of this variant in disease. Therefore, it has been classified as a Variant of Uncertain Significance.